The following is an entry in ClinVar:

NM_020921.4(NIN):c.1669G>C (p.Glu557Gln)

Gene: NIN (ninein; minus strand). Cytogenetic location: 14q22.1.
Variant type: single nucleotide variant.
Coding change: c.1669G>C on transcript NM_020921.4 (MANE Select); coding-DNA position 1669, G replaced by C.
Protein change: p.Glu557Gln; replaces glutamic acid 557 with glutamine.
Molecular consequence: missense variant.
Genome position (GRCh38, 1-based): chr14:50,763,931, C>G on the plus strand (G>C on the coding strand, the complement: NIN is on the minus strand). VCF-style: chr14-50763931-C-G. GRCh37 (hg19) VCF-style: chr14-51230649-C-G.
Other names: c.1669G>C, p.Glu557Gln (NM_016350.5, NM_182944.3, NM_182946.2); short protein forms E557Q.
Identifiers: ClinVar variation 1358918 (VCV001358918.6), dbSNP rs754873724, ClinGen allele CA7182123.

ClinVar aggregate classification (germline): Uncertain significance (1 of 4 stars; one submission).

Allele frequency attached by ClinVar (database versions not stated): ExAC 0.00006; gnomAD exomes 0.00009; gnomAD 0.00011 and 0.00012; TOPMed 0.00012.
gnomAD v4.1: 190 of 1,613,944 alleles (0.012%); highest among the groups gnomAD compares: Admixed American, 0.035%; no homozygotes.

Submission:

Labcorp Genetics (formerly Invitae), Labcorp
Classification: Uncertain significance. Last evaluated: 2025-06-23. Review status: criteria provided, single submitter. Criteria: Invitae Variant Classification Sherloc (09022015). Collection method: clinical testing. Allele origin: germline.
Comment: This sequence change replaces glutamic acid, which is acidic and polar, with glutamine, which is neutral and polar, at codon 557 of the NIN protein (p.Glu557Gln). This variant is present in population databases (rs754873724, gnomAD 0.04%). This variant has not been reported in the literature in individuals affected with NIN-related conditions. ClinVar contains an entry for this variant (Variation ID: 1358918). An algorithm developed to predict the effect of missense changes on protein structure and function (PolyPhen-2) suggests that this variant is likely to be disruptive. In summary, the available evidence is currently insufficient to determine the role of this variant in disease. Therefore, it has been classified as a Variant of Uncertain Significance.